The following is an entry in ClinVar:

ClinVar aggregate classification (germline): Likely benign (1 of 4 stars; one submission).

gnomAD v4.1: 16 of 1,590,314 alleles (0.001%); highest among the groups gnomAD compares: African/African-American, 0.021%; no homozygotes.

Submission:

CeGaT Center for Human Genetics Tuebingen
Classification: Likely benign. Last evaluated: 2026-05-01. Review status: criteria provided, single submitter. Criteria: CeGaT Center For Human Genetics Tuebingen Variant Classification Criteria Version 2. Collection method: clinical testing. Allele origin: germline. Affected: yes. Observed: 2 variant alleles.
Comment: LIAT1: BP4, BP7

NM_001013672.5(LIAT1):c.1032C>T (p.Gly344=)

Genes: LIAT1 (ligand of ATE1; plus strand), LOC105371430 (uncharacterized LOC105371430; minus strand). Cytogenetic location: 17p13.3.
Variant type: single nucleotide variant.
Coding change: c.1032C>T on transcript NM_001013672.5 (MANE Select); coding-DNA position 1032, C replaced by T.
Protein change: p.Gly344=; no amino-acid change (glycine 344 retained).
Molecular consequence: synonymous variant.
Genome position (GRCh38, 1-based): chr17:413,875, C>T. VCF-style: chr17-413875-C-T. GRCh37 (hg19) VCF-style: chr17-263666-C-T.
Identifiers: ClinVar variation 3905075 (VCV003905075.10).
Genomic context (GRCh38, chr17:413,875, plus strand): 5'-CTTCCACCCCGACCCCAAGGCCCTCAAGGGCTTCCACCCCGACCCCGAGGCCCTCAAGGG[C>T]TTCCACCCCGACCCCGAGGCCCTCAAGGGCTTCCACCCCGACCCCGAGGCCCTCAAGGGC-3'
Protein context (NP_001013694.4, residues 334-354): GFHPDPEALK[Gly344=]FHPDPEALKG